The following is an entry in ClinVar:

NM_018124.4(RFWD3):c.2081C>G (p.Pro694Arg)

Gene: RFWD3 (ring finger and WD repeat domain 3; minus strand). Cytogenetic location: 16q23.1.
Variant type: single nucleotide variant.
Coding change: c.2081C>G on transcript NM_018124.4 (MANE Select); coding-DNA position 2081, C replaced by G.
Protein change: p.Pro694Arg; replaces proline 694 with arginine.
Molecular consequence: missense variant.
Genome position (GRCh38, 1-based): chr16:74,626,443, G>C on the plus strand (C>G on the coding strand, the complement: RFWD3 is on the minus strand). VCF-style: chr16-74626443-G-C. GRCh37 (hg19) VCF-style: chr16-74660341-G-C.
Other names: c.1247C>G, p.Pro416Arg (NM_001370539.1, NM_001370540.1, NM_001370541.1 and 3 more transcripts); c.2081C>G, p.Pro694Arg (NM_001370534.1, NM_001370535.1); c.1904C>G, p.Pro635Arg (NM_001370536.1); short protein forms P635R, P416R, P694R.
Identifiers: ClinVar variation 2795784 (VCV002795784.3), dbSNP rs778265025, ClinGen allele CA8168995.

ClinVar aggregate classification (germline): Uncertain significance (1 of 4 stars; one submission).

gnomAD v4.1: 5 of 1,614,138 alleles (0.00031%); highest among the groups gnomAD compares: Non-Finnish European, 0.00042%; no homozygotes.

Submission:

Labcorp Genetics (formerly Invitae), Labcorp
Classification: Uncertain significance. Last evaluated: 2024-01-06. Review status: criteria provided, single submitter. Criteria: Invitae Variant Classification Sherloc (09022015). Collection method: clinical testing. Allele origin: germline.
Comment: This sequence change replaces proline, which is neutral and non-polar, with arginine, which is basic and polar, at codon 694 of the RFWD3 protein (p.Pro694Arg). This variant is present in population databases (rs778265025, gnomAD 0.003%). This variant has not been reported in the literature in individuals affected with RFWD3-related conditions. Algorithms developed to predict the effect of missense changes on protein structure and function output the following: SIFT: "Not Available"; PolyPhen-2: "Benign"; Align-GVGD: "Not Available". The arginine amino acid residue is found in multiple mammalian species, which suggests that this missense change does not adversely affect protein function. In summary, the available evidence is currently insufficient to determine the role of this variant in disease. Therefore, it has been classified as a Variant of Uncertain Significance.